The following is an entry in ClinVar:

ClinVar aggregate classification (germline): Conflicting classifications of pathogenicity. Review status: criteria provided, conflicting classifications (1 of 4 stars). 5 submissions from 5 submitters: Uncertain significance (1); Benign (1); Likely benign (3). Last evaluated 2026-01-15.

Conditions:
Xeroderma pigmentosum (XP). Identifiers: Orphanet 910, MedGen C0043346, MONDO:0019600.
Xeroderma pigmentosum group B. Also called: XP, GROUP B; XPB/CS; XERODERMA PIGMENTOSUM B/COCKAYNE SYNDROME; ERCC3-Related Xeroderma Pigmentosum. Identifiers: MedGen C0268136, MONDO:0012531, OMIM 610651.

Allele frequency attached by ClinVar (database versions not stated): gnomAD 0.00008 and 0.00017; TOPMed 0.00010; ESP Exome Variant Server 0.00015; gnomAD exomes 0.00017 and 0.00033; ExAC 0.00044; 1000 Genomes Project 0.00120; 1000 Genomes Project 30x 0.00125.
gnomAD v4.1: 277 of 1,614,232 alleles (0.017%); highest among the groups gnomAD compares: South Asian, 0.2%; 2 homozygotes.

Submissions (5):

Labcorp Genetics (formerly Invitae), Labcorp
Classification: Benign. Last evaluated: 2026-01-15. Review status: criteria provided, single submitter. Criteria: Invitae Variant Classification Sherloc (09022015). Collection method: clinical testing. Allele origin: germline.

CeGaT Center for Human Genetics Tuebingen
Classification: Likely benign. Last evaluated: 2025-12-01. Review status: criteria provided, single submitter. Criteria: CeGaT Center For Human Genetics Tuebingen Variant Classification Criteria Version 2. Collection method: clinical testing. Allele origin: germline. Affected: yes. Observed: 3 variant alleles.
Comment: ERCC3: BP4, BP7

Blueprint Genetics
Classification: Likely benign. Last evaluated: 2023-10-20. Review status: criteria provided, single submitter. Criteria: ACMG Guidelines, 2015. Collection method: clinical testing. Allele origin: germline.

Sema4
Classification: Likely benign for Xeroderma pigmentosum. Last evaluated: 2021-11-04. Review status: criteria provided, single submitter. Criteria: Sema4 Curation Guidelines. Collection method: curation. Allele origin: germline.

Illumina Laboratory Services, Illumina
Classification: Uncertain significance for Xeroderma pigmentosum group B. Last evaluated: 2018-01-13. Review status: criteria provided, single submitter. Criteria: ICSL Variant Classification Criteria 13 December 2019. Collection method: clinical testing. Allele origin: germline.

NM_000122.2(ERCC3):c.1155C>T (p.Asp385=)

Gene: ERCC3 (ERCC excision repair 3, TFIIH core complex helicase subunit; minus strand). Cytogenetic location: 2q14.3.
Variant type: single nucleotide variant.
Coding change: c.1155C>T on transcript NM_000122.2 (MANE Select); coding-DNA position 1155, C replaced by T.
Protein change: p.Asp385=; no amino-acid change (aspartic acid 385 retained).
Molecular consequence: synonymous variant.
Genome position (GRCh38, 1-based): chr2:127,286,890, G>A on the plus strand (C>T on the coding strand, the complement: ERCC3 is on the minus strand). VCF-style: chr2-127286890-G-A. GRCh37 (hg19) VCF-style: chr2-128044466-G-A.
Other names: c.963C>T, p.Asp321= (NM_001303416.2, NM_001303418.2).
Identifiers: ClinVar variation 331082 (VCV000331082.37), dbSNP rs371396764, ClinGen allele CA1858342.